The following is an entry in ClinVar:

NM_001042681.2(RERE):c.1401G>A (p.Ala467=)

Gene: RERE (arginine-glutamic acid dipeptide repeats; minus strand). Cytogenetic location: 1p36.23.
Variant type: single nucleotide variant.
Coding change: c.1401G>A on transcript NM_001042681.2 (MANE Select); coding-DNA position 1401, G replaced by A.
Protein change: p.Ala467=; no amino-acid change (alanine 467 retained).
Molecular consequence: synonymous variant. On other transcripts: 5 prime UTR variant (1).
Genome position (GRCh38, 1-based): chr1:8,365,858, C>T on the plus strand (G>A on the coding strand, the complement: RERE is on the minus strand). VCF-style: chr1-8365858-C-T. GRCh37 (hg19) VCF-style: chr1-8425918-C-T.
Other names: c.-262G>A (NM_001042682.2); c.1401G>A, p.Ala467= (NM_012102.4).
Identifiers: ClinVar variation 782678 (VCV000782678.34), dbSNP rs144935155, ClinGen allele CA571732.

ClinVar aggregate classification (germline): Benign/Likely benign. Review status: criteria provided, multiple submitters, no conflicts (2 of 4 stars). 4 submissions from 4 submitters: Benign (2); Likely benign (1). 1 of the submissions does not count toward it. Last evaluated 2025-12-27.

Conditions:
RERE-related disorder. Also called: RERE-Related Disorders; RERE-related condition. Identifiers: MedGen CN381537.

Allele frequency attached by ClinVar (database versions not stated): gnomAD exomes 0.00014 and 0.00044; ExAC 0.00038; ESP Exome Variant Server 0.00038; gnomAD 0.00050 and 0.00051; 1000 Genomes Project 0.00060; TOPMed 0.00061; 1000 Genomes Project 30x 0.00062.
gnomAD v4.1: 292 of 1,614,080 alleles (0.018%); highest among the groups gnomAD compares: Admixed American, 0.19%; 3 homozygotes.

Submissions (4):

Labcorp Genetics (formerly Invitae), Labcorp
Classification: Benign. Last evaluated: 2025-12-27. Review status: criteria provided, single submitter. Criteria: Invitae Variant Classification Sherloc (09022015). Collection method: clinical testing. Allele origin: germline.

CeGaT Center for Human Genetics Tuebingen
Classification: Likely benign. Last evaluated: 2024-09-01. Review status: criteria provided, single submitter. Criteria: CeGaT Center For Human Genetics Tuebingen Variant Classification Criteria Version 2. Collection method: clinical testing. Allele origin: germline. Affected: yes. Observed: 4 variant alleles.
Comment: RERE: BP4, BP7

Breakthrough Genomics
Classification: Benign. Review status: criteria provided, single submitter. Criteria: ACMG Guidelines, 2015. Collection method: not provided. Allele origin: germline. Inheritance: Autosomal dominant inheritance. Affected: yes.

PreventionGenetics, part of Exact Sciences
Classification: Likely benign for RERE-related condition. Last evaluated: 2019-05-07. Review status: no assertion criteria provided. Collection method: clinical testing. Allele origin: germline. Not counted in ClinVar's aggregate classification.
Comment: This variant is classified as likely benign based on ACMG/AMP sequence variant interpretation guidelines (Richards et al. 2015 PMID: 25741868, with internal and published modifications).